The following is an entry in ClinVar:

NM_001111125.3(IQSEC2):c.1168A>C (p.Met390Leu)

Gene: IQSEC2 (IQ motif and Sec7 domain ArfGEF 2; minus strand). Cytogenetic location: Xp11.22.
Variant type: single nucleotide variant.
Coding change: c.1168A>C on transcript NM_001111125.3 (MANE Select); coding-DNA position 1168, A replaced by C.
Protein change: p.Met390Leu; replaces methionine 390 with leucine.
Molecular consequence: missense variant.
Genome position (GRCh38, 1-based): chrX:53,254,763, T>G on the plus strand (A>C on the coding strand, the complement: IQSEC2 is on the minus strand). VCF-style: chrX-53254763-T-G. GRCh37 (hg19) VCF-style: chrX-53283945-T-G.
Other names: c.553A>C, p.Met185Leu (NM_015075.2); short protein forms M390L, M185L.
Identifiers: ClinVar variation 1045510 (VCV001045510.9), dbSNP rs1556864672, ClinGen allele CA413169799.

ClinVar aggregate classification (germline): Uncertain significance (1 of 4 stars; one submission).

Conditions:
Intellectual developmental disorder, X-linked 1. Also called: Atkin Flaitz Patil Smith syndrome; Intellectual disability, X-linked 1; MENTAL RETARDATION, X-LINKED 18; MENTAL RETARDATION, X-LINKED 78. Identifiers: Orphanet 777, MedGen C2931498, MONDO:0010656, OMIM 309530.

Allele frequency attached by ClinVar (database versions not stated): gnomAD exomes below 0.00001 and 0.00001.
gnomAD v4.1: 5 of 1,205,126 alleles (0.00041%); highest among the groups gnomAD compares: South Asian, 0.0036%; no homozygotes.

Submission:

Labcorp Genetics (formerly Invitae), Labcorp
Classification: Uncertain significance for Intellectual developmental disorder, X-linked 1. Last evaluated: 2025-06-04. Review status: criteria provided, single submitter. Criteria: Invitae Variant Classification Sherloc (09022015). Collection method: clinical testing. Allele origin: germline.
Comment: This sequence change replaces methionine, which is neutral and non-polar, with leucine, which is neutral and non-polar, at codon 390 of the IQSEC2 protein (p.Met390Leu). This variant is present in population databases (no rsID available, gnomAD 0.001%). This variant has not been reported in the literature in individuals affected with IQSEC2-related conditions. ClinVar contains an entry for this variant (Variation ID: 1045510). Invitae Evidence Modeling of protein sequence and biophysical properties (such as structural, functional, and spatial information, amino acid conservation, physicochemical variation, residue mobility, and thermodynamic stability) indicates that this missense variant is not expected to disrupt IQSEC2 protein function with a negative predictive value of 95%. In summary, the available evidence is currently insufficient to determine the role of this variant in disease. Therefore, it has been classified as a Variant of Uncertain Significance.